The following is an entry in ClinVar:

NM_015272.5(RPGRIP1L):c.1840G>A (p.Val614Ile)

Gene: RPGRIP1L (RPGRIP1 like; minus strand). Cytogenetic location: 16q12.2.
Variant type: single nucleotide variant.
Coding change: c.1840G>A on transcript NM_015272.5 (MANE Select); coding-DNA position 1840, G replaced by A.
Protein change: p.Val614Ile; replaces valine 614 with isoleucine.
Molecular consequence: missense variant.
Genome position (GRCh38, 1-based): chr16:53,652,847, C>T on the plus strand (G>A on the coding strand, the complement: RPGRIP1L is on the minus strand). VCF-style: chr16-53652847-C-T. GRCh37 (hg19) VCF-style: chr16-53686759-C-T.
Other names: c.1840G>A, p.Val614Ile (NM_001127897.4, NM_001308334.3, NM_001330538.2); short protein forms V614I.
Identifiers: ClinVar variation 3050548 (VCV003050548.3), dbSNP rs750811808, ClinGen allele CA281344234.

ClinVar aggregate classification (germline): Uncertain significance (1 of 4 stars; one submission).

Conditions:
RPGRIP1L-related disorder. Also called: RPGRIP1L-related disorders; RPGRIP1L-related condition. Identifiers: MedGen CN239416.

Submission:

PreventionGenetics, part of Exact Sciences
Classification: Uncertain significance for RPGRIP1L-related condition. Last evaluated: 2025-07-23. Review status: criteria provided, single submitter. Criteria: ACMG Guidelines, 2015. Collection method: clinical testing. Allele origin: germline.
Comment: The RPGRIP1L c.1840G>A variant is predicted to result in the amino acid substitution p.Val614Ile. To our knowledge, this variant has not been reported in the literature. This variant is reported in 0.00088% of alleles in individuals of European (Non-Finnish) descent in gnomAD. At this time, the clinical significance of this variant is uncertain due to the absence of conclusive functional and genetic evidence.